The following is an entry in ClinVar:

NM_001035.3(RYR2):c.9268G>T (p.Val3090Phe)

Gene: RYR2 (ryanodine receptor 2; plus strand). Cytogenetic location: 1q43.
Variant type: single nucleotide variant.
Coding change: c.9268G>T on transcript NM_001035.3 (MANE Select); coding-DNA position 9268, G replaced by T.
Protein change: p.Val3090Phe; replaces valine 3090 with phenylalanine.
Molecular consequence: missense variant.
Genome position (GRCh38, 1-based): chr1:237,700,368, G>T. VCF-style: chr1-237700368-G-T. GRCh37 (hg19) VCF-style: chr1-237863668-G-T.
Other names: short protein forms V3090F.
Identifiers: ClinVar variation 3072915 (VCV003072915.2), dbSNP rs1331557960, ClinGen allele CA345406015.

ClinVar aggregate classification (germline): Uncertain significance. Review status: criteria provided, multiple submitters, no conflicts (2 of 4 stars). 2 submissions from 2 submitters: Uncertain significance (2). Last evaluated 2025-11-24.

Conditions:
Catecholaminergic polymorphic ventricular tachycardia (CVPT). Also called: Catecholamine-induced polymorphic ventricular tachycardia. Identifiers: Orphanet 3286, MedGen C5574922, MONDO:0017990.
Cardiomyopathy (CMYO). Also called: Cardiomyopathies. Identifiers: Orphanet 167848, MedGen C0878544, MONDO:0004994, HP:0001638. Inheritance: Various modes of inheritance.

Allele frequency attached by ClinVar (database versions not stated): TOPMed below 0.00001; gnomAD 0.00001; gnomAD exomes below 0.00001.
gnomAD v4.1: 4 of 1,606,056 alleles (0.00025%); highest among the groups gnomAD compares: East Asian, 0.0067%; no homozygotes.

Submissions (2):

Color Diagnostics, LLC DBA Color Health
Classification: Uncertain significance for Cardiomyopathy. Last evaluated: 2025-11-24. Review status: criteria provided, single submitter. Criteria: ACMG Guidelines, 2015. Collection method: clinical testing. Allele origin: germline.
Comment: This missense variant replaces valine with phenylalanine at codon 3090 of the RYR2 protein. Computational prediction suggests that this variant may not impact protein structure and function. To our knowledge, functional studies have not been reported for this variant. This variant has not been reported in individuals affected with RYR2-related disorders in the literature. This variant has not been identified in the general population by the Genome Aggregation Database (gnomAD). The available evidence is insufficient to determine the role of this variant in disease conclusively. Therefore, this variant is classified as a Variant of Uncertain Significance.

All of Us Research Program, National Institutes of Health
Classification: Uncertain significance for Catecholaminergic polymorphic ventricular tachycardia. Last evaluated: 2023-08-15. Review status: criteria provided, single submitter. Criteria: ACMG Guidelines, 2015. Collection method: clinical testing. Allele origin: germline. Inheritance: Autosomal dominant inheritance. Observed: 1 variant allele, 1 heterozygote.
Comment: This missense variant replaces valine with phenylalanine at codon 3090 of the RYR2 protein. Computational prediction suggests that this variant may not impact protein structure and function (internally defined REVEL score threshold <= 0.5, PMID: 27666373). To our knowledge, functional studies have not been reported for this variant. This variant has not been reported in individuals affected with RYR2-related disorders in the literature. This variant has not been identified in the general population by the Genome Aggregation Database (gnomAD). The available evidence is insufficient to determine the role of this variant in disease conclusively. Therefore, this variant is classified as a Variant of Uncertain Significance.

This study involves interpretation of variants in research participants for the purpose of population health screening. Participant phenotype was not available at the time of variant classification. Additional details can be found in publication PMID: 35346344, PMCID: PMC8962531